The following is an entry in ClinVar:

ClinVar aggregate classification (germline): Uncertain significance (1 of 4 stars; one submission).

Conditions:
Severe combined immunodeficiency due to LCK deficiency. Also called: Immunodeficiency 22. Identifiers: Orphanet 280142, MedGen C4014233, MONDO:0014334, OMIM 615758.

Submission:

Labcorp Genetics (formerly Invitae), Labcorp
Classification: Uncertain significance for Severe combined immunodeficiency due to LCK deficiency. Last evaluated: 2023-12-09. Review status: criteria provided, single submitter. Criteria: Invitae Variant Classification Sherloc (09022015). Collection method: clinical testing. Allele origin: germline.
Comment: This sequence change replaces asparagine, which is neutral and polar, with lysine, which is basic and polar, at codon 452 of the LCK protein (p.Asn452Lys). This variant is not present in population databases (gnomAD no frequency). This variant has not been reported in the literature in individuals affected with LCK-related conditions. An algorithm developed to predict the effect of missense changes on protein structure and function (PolyPhen-2) suggests that this variant is likely to be disruptive. In summary, the available evidence is currently insufficient to determine the role of this variant in disease. Therefore, it has been classified as a Variant of Uncertain Significance.

NM_005356.5(LCK):c.1356C>A (p.Asn452Lys)

Gene: LCK (LCK proto-oncogene, Src family tyrosine kinase; plus strand). Cytogenetic location: 1p35.2.
Variant type: single nucleotide variant.
Coding change: c.1356C>A on transcript NM_005356.5 (MANE Select); coding-DNA position 1356, C replaced by A.
Protein change: p.Asn452Lys; replaces asparagine 452 with lysine.
Molecular consequence: missense variant.
Genome position (GRCh38, 1-based): chr1:32,285,542, C>A. VCF-style: chr1-32285542-C-A. GRCh37 (hg19) VCF-style: chr1-32751143-C-A.
Other names: c.1356C>A, p.Asn452Lys (NM_001042771.3); c.1203C>A, p.Asn401Lys (NM_001330468.2); short protein forms N452K, N401K.
Identifiers: ClinVar variation 2877035 (VCV002877035.3), dbSNP rs1481258398, ClinGen allele CA339643707.